The following is an entry in ClinVar:

ClinVar aggregate classification (germline): Uncertain significance (1 of 4 stars; one submission).

Conditions:
Catecholaminergic polymorphic ventricular tachycardia 1. Also called: VENTRICULAR TACHYCARDIA, CATECHOLAMINERGIC POLYMORPHIC, 1, WITH OR WITHOUT ATRIAL DYSFUNCTION AND/OR DILATED CARDIOMYOPATHY; RYR2-Related Catecholaminergic Polymorphic Ventricular Tachycardia; VENTRICULAR TACHYCARDIA, STRESS-INDUCED POLYMORPHIC 1. Identifiers: Orphanet 3286, MedGen C1631597, MONDO:0011484, OMIM 604772.

Allele frequency attached by ClinVar (database versions not stated): gnomAD exomes below 0.00001 and 0.00001.
gnomAD v4.1: 2 of 1,613,894 alleles (0.00012%); highest among the groups gnomAD compares: Non-Finnish European, 0.00017%; no homozygotes.

Submission:

Labcorp Genetics (formerly Invitae), Labcorp
Classification: Uncertain significance for Catecholaminergic polymorphic ventricular tachycardia 1. Last evaluated: 2024-11-17. Review status: criteria provided, single submitter. Criteria: Invitae Variant Classification Sherloc (09022015). Collection method: clinical testing. Allele origin: germline.
Comment: This sequence change replaces lysine, which is basic and polar, with threonine, which is neutral and polar, at codon 1225 of the RYR2 protein (p.Lys1225Thr). This variant is present in population databases (no rsID available, gnomAD 0.002%). This variant has not been reported in the literature in individuals affected with RYR2-related conditions. ClinVar contains an entry for this variant (Variation ID: 1430610). Invitae Evidence Modeling of protein sequence and biophysical properties (such as structural, functional, and spatial information, amino acid conservation, physicochemical variation, residue mobility, and thermodynamic stability) indicates that this missense variant is not expected to disrupt RYR2 protein function with a negative predictive value of 95%. In summary, the available evidence is currently insufficient to determine the role of this variant in disease. Therefore, it has been classified as a Variant of Uncertain Significance.

NM_001035.3(RYR2):c.3674A>C (p.Lys1225Thr)

Gene: RYR2 (ryanodine receptor 2; plus strand). Cytogenetic location: 1q43.
Variant type: single nucleotide variant.
Coding change: c.3674A>C on transcript NM_001035.3 (MANE Select); coding-DNA position 3674, A replaced by C.
Protein change: p.Lys1225Thr; replaces lysine 1225 with threonine.
Molecular consequence: missense variant.
Genome position (GRCh38, 1-based): chr1:237,589,868, A>C. VCF-style: chr1-237589868-A-C. GRCh37 (hg19) VCF-style: chr1-237753168-A-C.
Other names: short protein forms K1225T.
Identifiers: ClinVar variation 1430610 (VCV001430610.45), dbSNP rs1185398824, ClinGen allele CA345396288.